The following is an entry in ClinVar:

ClinVar aggregate classification (germline): Uncertain significance. Review status: criteria provided, multiple submitters, no conflicts (2 of 4 stars). 4 submissions from 4 submitters: Uncertain significance (3). 1 of the submissions does not count toward it. Last evaluated 2024-09-18.

Conditions:
PEX3-related disorder. Also called: PEX3-related condition.

Allele frequency attached by ClinVar (database versions not stated): gnomAD exomes below 0.00001; gnomAD 0.00003 and 0.00004; TOPMed 0.00003.
gnomAD v4.1: 11 of 1,505,204 alleles (0.00073%); highest among the groups gnomAD compares: African/African-American, 0.012%; no homozygotes.

Submissions (4):

Blueprint Genetics
Classification: Uncertain significance. Last evaluated: 2024-09-18. Review status: criteria provided, single submitter. Criteria: ACMG Guidelines, 2015. Collection method: clinical testing. Allele origin: germline.

Labcorp Genetics (formerly Invitae), Labcorp
Classification: Uncertain significance. Last evaluated: 2022-08-23. Review status: criteria provided, single submitter. Criteria: Invitae Variant Classification Sherloc (09022015). Collection method: clinical testing. Allele origin: germline.
Comment: This sequence change falls in intron 9 of the PEX3 gene. It does not directly change the encoded amino acid sequence of the PEX3 protein. It affects a nucleotide within the consensus splice site. This variant is present in population databases (no rsID available, gnomAD 0.008%). This variant has not been reported in the literature in individuals affected with PEX3-related conditions. ClinVar contains an entry for this variant (Variation ID: 596202). Variants that disrupt the consensus splice site are a relatively common cause of aberrant splicing (PMID: 17576681, 9536098). Algorithms developed to predict the effect of sequence changes on RNA splicing suggest that this variant is not likely to affect RNA splicing. In summary, the available evidence is currently insufficient to determine the role of this variant in disease. Therefore, it has been classified as a Variant of Uncertain Significance.

Eurofins Ntd Llc (ga)
Classification: Uncertain significance. Last evaluated: 2018-02-20. Review status: criteria provided, single submitter. Criteria: EGL ClinVar v180209 classification definitions. Collection method: clinical testing. Allele origin: germline. Observed: 1 variant allele, 1 heterozygote.

PreventionGenetics, part of Exact Sciences
Classification: Likely benign for PEX3-related condition. Last evaluated: 2021-12-20. Review status: no assertion criteria provided. Collection method: clinical testing. Allele origin: germline. Not counted in ClinVar's aggregate classification.
Comment: This variant is classified as likely benign based on ACMG/AMP sequence variant interpretation guidelines (Richards et al. 2015 PMID: 25741868, with internal and published modifications).

Literature cited by the submitters: PubMed 17576681 (cited by Labcorp Genetics (formerly Invitae), Labcorp); PubMed 9536098 (cited by Labcorp Genetics (formerly Invitae), Labcorp).

NM_003630.3(PEX3):c.818+3A>G

Gene: PEX3 (peroxisomal biogenesis factor 3; plus strand). Cytogenetic location: 6q24.2.
Variant type: single nucleotide variant.
Coding change: c.818+3A>G on transcript NM_003630.3 (MANE Select); 3 bases into the intron after coding-DNA position 818, A replaced by G.
Molecular consequence: intron variant.
Genome position (GRCh38, 1-based): chr6:143,474,859, A>G. VCF-style: chr6-143474859-A-G. GRCh37 (hg19) VCF-style: chr6-143795996-A-G.
Identifiers: ClinVar variation 596202 (VCV000596202.12), dbSNP rs975195178, ClinGen allele CA149068077.